The following is an entry in ClinVar:

ClinVar aggregate classification (germline): Uncertain significance (1 of 4 stars; one submission).

Submission:

Labcorp Genetics (formerly Invitae), Labcorp
Classification: Uncertain significance. Last evaluated: 2024-10-22. Review status: criteria provided, single submitter. Criteria: Invitae Variant Classification Sherloc (09022015). Collection method: clinical testing. Allele origin: germline.
Comment: This sequence change replaces alanine, which is neutral and non-polar, with glycine, which is neutral and non-polar, at codon 238 of the ARID1B protein (p.Ala238Gly). This variant is not present in population databases (gnomAD no frequency). This variant has not been reported in the literature in individuals affected with ARID1B-related conditions. Invitae Evidence Modeling of protein sequence and biophysical properties (such as structural, functional, and spatial information, amino acid conservation, physicochemical variation, residue mobility, and thermodynamic stability) indicates that this missense variant is not expected to disrupt ARID1B protein function with a negative predictive value of 95%. In summary, the available evidence is currently insufficient to determine the role of this variant in disease. Therefore, it has been classified as a Variant of Uncertain Significance.

NM_001374828.1(ARID1B):c.962C>G (p.Ala321Gly)

Gene: ARID1B (AT-rich interaction domain 1B; plus strand). Cytogenetic location: 6q25.3.
Variant type: single nucleotide variant.
Coding change: c.962C>G on transcript NM_001374828.1 (MANE Select); coding-DNA position 962, C replaced by G.
Protein change: p.Ala321Gly; replaces alanine 321 with glycine.
Molecular consequence: missense variant.
Genome position (GRCh38, 1-based): chr6:156,778,642, C>G. VCF-style: chr6-156778642-C-G. GRCh37 (hg19) VCF-style: chr6-157099776-C-G.
Other names: c.713C>G, p.Ala238Gly (NM_001346813.1, NM_020732.3); c.962C>G, p.Ala321Gly (NM_001371656.1, NM_001374820.1, NM_017519.3); c.539C>G, p.Ala180Gly (NM_175863.2); short protein forms A321G, A238G, A180G.
Identifiers: ClinVar variation 2826226 (VCV002826226.3), dbSNP rs1248746156, ClinGen allele CA366382604.